The following is an entry in ClinVar:

NM_000051.4(ATM):c.3564C>T (p.His1188=)

Gene: ATM (ATM serine/threonine kinase; plus strand). Cytogenetic location: 11q22.3.
Variant type: single nucleotide variant.
Coding change: c.3564C>T on transcript NM_000051.4 (MANE Select); coding-DNA position 3564, C replaced by T.
Protein change: p.His1188=; no amino-acid change (histidine 1188 retained).
Molecular consequence: synonymous variant.
Genome position (GRCh38, 1-based): chr11:108,281,156, C>T. VCF-style: chr11-108281156-C-T. GRCh37 (hg19) VCF-style: chr11-108151883-C-T.
Other names: c.3564C>T, p.His1188= (NM_001351834.2).
Identifiers: ClinVar variation 3253902 (VCV003253902.1), dbSNP rs771172636.
Genomic context (GRCh38, chr11:108,281,156, plus strand): 5'-CGAAAAACAGGCTTTGTTTGCCCTGTGTAAATCTGTGAAAGAGAATGGATTAGAACCTCA[C>T]CTTGTGAAAAAGGTATATATGGATGAGTATTTTATTAGAAGCTTCCTTAGGTCACTGTGA-3'
Protein context (NP_000042.3, residues 1178-1198): KSVKENGLEP[His1188=]LVKKVLEKVS

ClinVar aggregate classification (germline): Benign (1 of 4 stars; one submission).

Conditions:
Familial cancer of breast. Also called: BREAST CANCER, FAMILIAL; Hereditary breast cancer; hereditary breast carcinoma. Identifiers: Orphanet 227535, MedGen C0346153, MONDO:0016419, OMIM 114480. Disease mechanism: loss of function.

Allele frequency attached by ClinVar (database versions not stated): gnomAD exomes below 0.00001; ExAC 0.00001.
gnomAD v4.1: 1 of 1,613,764 alleles (0.000062%); highest among the groups gnomAD compares: Non-Finnish European, 0.000085%; no homozygotes.

Submission:

Myriad Genetics, Inc.
Classification: Benign for Familial cancer of breast. Last evaluated: 2024-05-14. Review status: criteria provided, single submitter. Criteria: Myriad Autosomal Dominant, Autosomal Recessive and X-Linked Classification Criteria (2023). Collection method: clinical testing. Allele origin: unknown.
Comment: This variant is considered benign. This variant is a silent/synonymous amino acid change and it is not expected to impact splicing.